The following is an entry in ClinVar:

NM_002109.6(HARS1):c.824-74T>G

Gene: HARS1 (histidyl-tRNA synthetase 1; minus strand). Cytogenetic location: 5q31.3.
Variant type: single nucleotide variant.
Coding change: c.824-74T>G on transcript NM_002109.6 (MANE Select); 74 bases into the intron before coding-DNA position 824, T replaced by G.
Molecular consequence: intron variant.
Genome position (GRCh38, 1-based): chr5:140,677,190, A>C on the plus strand (T>G on the coding strand, the complement: HARS1 is on the minus strand). VCF-style: chr5-140677190-A-C. GRCh37 (hg19) VCF-style: chr5-140056775-A-C.
Other names: c.737-74T>G (NM_001289094.2); c.482-74T>G (NM_001289093.2); c.644-74T>G (NM_001258042.3); c.704-74T>G (NM_001258040.3); c.602-74T>G (NM_001289092.2); c.764-74T>G (NM_001258041.3).
Identifiers: ClinVar variation 682517 (VCV000682517.1), dbSNP rs11954514, ClinGen allele CA11945548.
Genomic context (GRCh38, chr5:140,677,190, plus strand): 5'-CTTGTGAGTGAGGCTGACAAGGAAACAAAAAAGGTAAGGAGGGTTGACCTTCTTGCCTGG[A>C]CTCTAGTCGCCCATGCATGTGTGTGTACATATGCATAGACACACTCACTCCCCTACATAC-3'

ClinVar aggregate classification (germline): Benign (1 of 4 stars; one submission).

Allele frequency attached by ClinVar (database versions not stated): 1000 Genomes Project 0.05012; 1000 Genomes Project 30x 0.05091; TOPMed 0.08910; gnomAD 0.09001 and 0.09319.
gnomAD v4.1: 187,447 of 1,532,298 alleles (12%); highest among the groups gnomAD compares: Non-Finnish European, 15%; 12,850 homozygotes.

Submission:

GeneDx
Classification: Benign. Last evaluated: 2018-06-16. Review status: criteria provided, single submitter. Criteria: GeneDx Variant Classification (06012015). Collection method: clinical testing. Allele origin: germline. Affected: yes.
Comment: This variant is considered likely benign or benign based on one or more of the following criteria: it is a conservative change, it occurs at a poorly conserved position in the protein, it is predicted to be benign by multiple in silico algorithms, and/or has population frequency not consistent with disease.